The following is an entry in ClinVar:

ClinVar aggregate classification (germline): Uncertain significance (1 of 4 stars; one submission).

Conditions:
Epidermolysis bullosa simplex 3, localized or generalized intermediate, with BP230 deficiency (EBS3). Also called: Epidermolysis bullosa simplex due to BP230 deficiency; Epidermolysis bullosa simplex, autosomal recessive 2. Identifiers: Orphanet 412181, MedGen C3809470, MONDO:0014180, OMIM 615425.
Hereditary sensory and autonomic neuropathy type 6. Also called: Neuropathy, hereditary sensory and autonomic, type VI; HSAN VI. Identifiers: Orphanet 314381, MedGen C3539003, MONDO:0013839, OMIM 614653.

Allele frequency attached by ClinVar (database versions not stated): gnomAD 0.00001; ExAC 0.00004.
gnomAD v4.1: 1 of 1,556,220 alleles (0.000064%); highest among the groups gnomAD compares: African/African-American, 0.0014%; no homozygotes.

Submission:

Labcorp Genetics (formerly Invitae), Labcorp
Classification: Uncertain significance for Epidermolysis bullosa simplex 3, localized or generalized intermediate, with BP230 deficiency; Hereditary sensory and autonomic neuropathy type 6. Last evaluated: 2021-04-23. Review status: criteria provided, single submitter. Criteria: Invitae Variant Classification Sherloc (09022015). Collection method: clinical testing. Allele origin: germline.
Comment: This sequence change replaces glutamic acid with glutamine at codon 1222 of the DST protein (p.Glu1222Gln). The DST gene has multiple clinically relevant transcripts. This variant occurs in alternate transcript NM_015548.4, and corresponds to NM_001723.5:c.*5082G>C in the primary transcript. This variant is present in population databases (rs777088361, ExAC 0.03%). This variant has not been reported in the literature in individuals with DST-related conditions. Experimental studies and prediction algorithms are not available or were not evaluated, and the functional significance of this variant is currently unknown. In summary, the available evidence is currently insufficient to determine the role of this variant in disease. Therefore, it has been classified as a Variant of Uncertain Significance.

NM_001374736.1(DST):c.5275G>C (p.Glu1759Gln)

Gene: DST (dystonin; minus strand). Cytogenetic location: 6p12.1.
Variant type: single nucleotide variant.
Coding change: c.5275G>C on transcript NM_001374736.1 (MANE Select); coding-DNA position 5275, G replaced by C.
Protein change: p.Glu1759Gln; replaces glutamic acid 1759 with glutamine.
Molecular consequence: missense variant.
Genome position (GRCh38, 1-based): chr6:56,610,435, C>G on the plus strand (G>C on the coding strand, the complement: DST is on the minus strand). VCF-style: chr6-56610435-C-G. GRCh37 (hg19) VCF-style: chr6-56475233-C-G.
Other names: c.5176G>C, p.Glu1726Gln (NM_001144769.5); c.4762G>C, p.Glu1588Gln (NM_001144770.2); c.5275G>C, p.Glu1759Gln (NM_001374722.1); c.4642G>C, p.Glu1548Gln (NM_001374729.1, NM_001374730.1, NM_001386100.1 and 1 more transcripts); c.5302G>C, p.Glu1768Gln (NM_001374734.1); c.3664G>C, p.Glu1222Gln (NM_015548.5); short protein forms E1588Q, E1759Q, E1222Q, E1768Q, E1548Q, E1726Q.
Identifiers: ClinVar variation 1421839 (VCV001421839.6), dbSNP rs777088361, ClinGen allele CA3869764.